The following is an entry in ClinVar:

NM_144687.4(NLRP12):c.575del (p.Ser192fs)

Gene: NLRP12 (NLR family pyrin domain containing 12; minus strand). Cytogenetic location: 19q13.42.
Variant type: Deletion.
Coding change: c.575del on transcript NM_144687.4 (MANE Select); coding-DNA position 575, one base deleted (G; older notation c.575delG).
Protein change: p.Ser192fs; shifts the reading frame from serine 192.
Molecular consequence: frameshift variant.
Genome position (GRCh38, 1-based): chr19:53,811,084, C deleted on the plus strand (G on the coding strand, the reverse complement: NLRP12 is on the minus strand). VCF-style (leftmost placement, unchanged base first): chr19-53811083-GC-G. GRCh37 (hg19) VCF-style: chr19-54314337-GC-G.
Other names: c.575del, p.Ser192fs (NM_001277126.2, NM_001277129.1); short protein forms S192fs.
Identifiers: ClinVar variation 2000598 (VCV002000598.5), dbSNP rs1255447565, ClinGen allele CA883505871.

ClinVar aggregate classification (germline): Conflicting classifications of pathogenicity. Review status: criteria provided, conflicting classifications (1 of 4 stars). 2 submissions from 2 submitters: Likely pathogenic (1); Uncertain significance (1). Last evaluated 2025-07-24.

Conditions:
Familial cold autoinflammatory syndrome 2 (FCAS2). Identifiers: Orphanet 247868, MedGen C2673198, MONDO:0012724, OMIM 611762.

Submissions (2):

Laboratorio de Genetica e Diagnostico Molecular, Hospital Israelita Albert Einstein
Classification: Likely pathogenic for Familial cold autoinflammatory syndrome 2. Last evaluated: 2025-07-24. Review status: criteria provided, single submitter. Criteria: ACMG Guidelines, 2015. Collection method: clinical testing. Allele origin: germline. Affected: yes.
Comment: ACMG classification criteria: PVS1 very strong, PM2 supporting

Labcorp Genetics (formerly Invitae), Labcorp
Classification: Uncertain significance for Familial cold autoinflammatory syndrome 2. Last evaluated: 2022-07-20. Review status: criteria provided, single submitter. Criteria: Invitae Variant Classification Sherloc (09022015). Collection method: clinical testing. Allele origin: germline.
Comment: In summary, the available evidence is currently insufficient to determine the role of this variant in disease. Therefore, it has been classified as a Variant of Uncertain Significance. This variant has not been reported in the literature in individuals affected with NLRP12-related conditions. This variant is not present in population databases (gnomAD no frequency). This sequence change creates a premature translational stop signal (p.Ser192Thrfs*5) in the NLRP12 gene. It is expected to result in an absent or disrupted protein product. However, the current clinical and genetic evidence is not sufficient to establish whether loss-of-function variants in NLRP12 cause disease.